The following is an entry in ClinVar:

NM_005763.4(AASS):c.2345C>G (p.Ala782Gly)

Gene: AASS (aminoadipate-semialdehyde synthase; minus strand). Cytogenetic location: 7q31.32.
Variant type: single nucleotide variant.
Coding change: c.2345C>G on transcript NM_005763.4 (MANE Select); coding-DNA position 2345, C replaced by G.
Protein change: p.Ala782Gly; replaces alanine 782 with glycine.
Molecular consequence: missense variant.
Genome position (GRCh38, 1-based): chr7:122,079,648, G>C on the plus strand (C>G on the coding strand, the complement: AASS is on the minus strand). VCF-style: chr7-122079648-G-C. GRCh37 (hg19) VCF-style: chr7-121719702-G-C.
Other names: short protein forms A782G.
Identifiers: ClinVar variation 4752878 (VCV004752878.1).

ClinVar aggregate classification (germline): Uncertain significance (1 of 4 stars; one submission).

gnomAD v4.1: 26 of 1,613,918 alleles (0.0016%); highest among the groups gnomAD compares: Middle Eastern, 0.016%; no homozygotes.

Submission:

Labcorp Genetics (formerly Invitae), Labcorp
Classification: Uncertain significance. Last evaluated: 2025-12-15. Review status: criteria provided, single submitter. Criteria: Invitae Variant Classification Sherloc (09022015). Collection method: clinical testing. Allele origin: germline.
Comment: This sequence change replaces alanine, which is neutral and non-polar, with glycine, which is neutral and non-polar, at codon 782 of the AASS protein (p.Ala782Gly). This variant is present in population databases (rs779774747, gnomAD 0.003%). This variant has not been reported in the literature in individuals affected with AASS-related conditions. Invitae Evidence Modeling of protein sequence and biophysical properties (such as structural, functional, and spatial information, amino acid conservation, physicochemical variation, residue mobility, and thermodynamic stability) indicates that this missense variant is not expected to disrupt AASS protein function with a negative predictive value of 80%. In summary, the available evidence is currently insufficient to determine the role of this variant in disease. Therefore, it has been classified as a Variant of Uncertain Significance.